The following is an entry in ClinVar:

NC_000003.12:g.169764897T>G

Genes: TERC (telomerase RNA component; minus strand), LOC110806306 (telomerase RNA component (TERC) promoter; plus strand). Cytogenetic location: 3q26.2.
Variant type: single nucleotide variant.
Genome position: GRCh38 VCF-style: chr3-169764897-T-G. GRCh37 (hg19) VCF-style: chr3-169482685-T-G.
Identifiers: ClinVar variation 534177 (VCV000534177.10), dbSNP rs750837239, ClinGen allele CA2696814.

ClinVar aggregate classification (germline): Uncertain significance. Review status: criteria provided, multiple submitters, no conflicts (2 of 4 stars). 2 submissions from 2 submitters: Uncertain significance (2). Last evaluated 2025-07-07.

Conditions:
Dyskeratosis congenita, autosomal dominant 1 (DKCA1). Also called: Dyskeratosis congenita Scoggins type. Identifiers: Orphanet 1775, MedGen C4551974, MONDO:0007485, OMIM 127550. Inheritance: Variable.

Allele frequency attached by ClinVar (database versions not stated): TOPMed below 0.00001; gnomAD exomes 0.00001; ExAC 0.00002.
gnomAD v4.1: 8 of 764,806 alleles (0.001%); highest among the groups gnomAD compares: Non-Finnish European, 0.0017%; no homozygotes.

Submissions (2):

Labcorp Genetics (formerly Invitae), Labcorp
Classification: Uncertain significance for Dyskeratosis congenita, autosomal dominant 1. Last evaluated: 2025-07-07. Review status: criteria provided, single submitter. Criteria: Invitae Variant Classification Sherloc (09022015). Collection method: clinical testing. Allele origin: germline.
Comment: This variant occurs in the TERC gene, which encodes an RNA molecule that does not result in a protein product. This variant is present in population databases (rs750837239, gnomAD 0.002%). This variant has been observed in individual(s) with pulmonary fibrosis (PMID: 35078193). ClinVar contains an entry for this variant (Variation ID: 534177). This variant is located within the template/pseudoknot domain of the TERC RNA component, which is required for RNA or RNP stability (PMID: 15082312, 21844345). This variant is located in a region of TERC in which a significant number of disease causing variants have been reported (PMID: 15082312, 21844345, 21931702). These observations suggest that this may be a clinically significant region. In summary, the available evidence is currently insufficient to determine the role of this variant in disease. Therefore, it has been classified as a Variant of Uncertain Significance.

Blueprint Genetics
Classification: Uncertain significance. Last evaluated: 2024-06-11. Review status: criteria provided, single submitter. Criteria: ACMG Guidelines, 2015. Collection method: clinical testing. Allele origin: germline.

Literature cited by the submitters: PubMed 35078193 (cited by Labcorp Genetics (formerly Invitae), Labcorp); PubMed 15082312 (cited by Labcorp Genetics (formerly Invitae), Labcorp); PubMed 21844345 (cited by Labcorp Genetics (formerly Invitae), Labcorp); PubMed 21931702 (cited by Labcorp Genetics (formerly Invitae), Labcorp).